The following is an entry in ClinVar:

NM_000051.4(ATM):c.6976-3C>G

Genes: ATM (ATM serine/threonine kinase; plus strand), C11orf65 (chromosome 11 open reading frame 65; minus strand). Cytogenetic location: 11q22.3.
Variant type: single nucleotide variant.
Coding change: c.6976-3C>G on transcript NM_000051.4 (MANE Select); 3 bases into the intron before coding-DNA position 6976, C replaced by G.
Molecular consequence: intron variant.
Genome position (GRCh38, 1-based): chr11:108,327,642, C>G. VCF-style: chr11-108327642-C-G. GRCh37 (hg19) VCF-style: chr11-108198369-C-G.
Other names: c.6976-3C>G (NM_001351834.2); c.641-18571G>C (NM_001330368.2); c.*38+7578G>C (NM_001351110.2).
Identifiers: ClinVar variation 1424889 (VCV001424889.8), dbSNP rs898003667, ClinGen allele CA228414220.

ClinVar aggregate classification (germline): Conflicting classifications of pathogenicity. Review status: criteria provided, conflicting classifications (1 of 4 stars). 3 submissions from 3 submitters: Likely pathogenic (1); Uncertain significance (2). Last evaluated 2025-10-07.

Conditions:
Ataxia-telangiectasia syndrome (AT). Also called: Ataxia-telangiectasia; LOUIS-BAR SYNDROME; Ataxia-telangiectasia, complementation group D; AT, COMPLEMENTATION GROUP C; ATAXIA-TELANGIECTASIA, COMPLEMENTATION GROUP A; ATAXIA-TELANGIECTASIA, FRESNO VARIANT. Identifiers: Orphanet 100, MedGen C0004135, MONDO:0008840, OMIM 208900.

Allele frequency attached by ClinVar (database versions not stated): gnomAD exomes below 0.00001; TOPMed below 0.00001.
gnomAD v4.1: 2 of 1,612,076 alleles (0.00012%); highest among the groups gnomAD compares: Admixed American, 0.0033%; no homozygotes.

Submissions (3):

Women's Health and Genetics/Laboratory Corporation of America, LabCorp
Classification: Likely pathogenic for Ataxia-telangiectasia syndrome. Last evaluated: 2025-10-07. Review status: criteria provided, single submitter. Criteria: LabCorp Variant Classification Summary - May 2015. Collection method: clinical testing. Allele origin: germline.
Comment: Variant summary: ATM c.6976-3C>G alters a conserved nucleotide located close to a canonical splice site and therefore could affect mRNA splicing, leading to a significantly altered protein sequence. Several computational tools predict a significant impact on normal splicing: Three predict the variant abolishes a 3' acceptor site. One predict the variant weakens a 3' acceptor site. Four predict the variant creates a 3' acceptor site. At least one publication reports experimental evidence that this variant affects mRNA splicing causing a frameshift change. The variant allele was found at a frequency of 4e-06 in 250550 control chromosomes. c.6976-3C>G has been observed in one compound heterozygous individual affected with Ataxia-telangiectasia syndrome (Du_2008). The following publication have been ascertained in the context of this evaluation (PMID: 18321536). ClinVar contains an entry for this variant (Variation ID: 1424889). Based on the evidence outlined above, the variant was classified as likely pathogenic.

Labcorp Genetics (formerly Invitae), Labcorp
Classification: Uncertain significance for Ataxia-telangiectasia syndrome. Last evaluated: 2024-11-11. Review status: criteria provided, single submitter. Criteria: Invitae Variant Classification Sherloc (09022015). Collection method: clinical testing. Allele origin: germline.
Comment: This sequence change falls in intron 47 of the ATM gene. It does not directly change the encoded amino acid sequence of the ATM protein. RNA analysis indicates that this variant induces altered splicing and may result in an absent or altered protein product. This variant is present in population databases (no rsID available, gnomAD 0.003%). This variant has been observed in individual(s) with clinical features of ataxia-telangiectasia (PMID: 18321536). ClinVar contains an entry for this variant (Variation ID: 1424889). Variants that disrupt the consensus splice site are a relatively common cause of aberrant splicing (PMID: 17576681, 9536098). Studies have shown that this variant results in activation of a cryptic splice site, and produces a non-functional protein and/or introduces a premature termination codon (PMID: 18321536; internal data). In summary, the available evidence is currently insufficient to determine the role of this variant in disease. Therefore, it has been classified as a Variant of Uncertain Significance.

Quest Diagnostics Nichols Institute San Juan Capistrano
Classification: Uncertain significance. Last evaluated: 2023-10-31. Review status: criteria provided, single submitter. Criteria: Quest Diagnostics criteria. Collection method: clinical testing. Allele origin: unknown.

Literature cited by the submitters: PubMed 18321536 (cited by 3 submitters); PubMed 17576681 (cited by Labcorp Genetics (formerly Invitae), Labcorp); PubMed 9536098 (cited by Labcorp Genetics (formerly Invitae), Labcorp); PubMed 25525159 (cited by Quest Diagnostics Nichols Institute San Juan Capistrano).